The following is an entry in ClinVar:

NM_000268.4(NF2):c.106A>G (p.Asn36Asp)

Gene: NF2 (NF2, moesin-ezrin-radixin like (MERLIN) tumor suppressor; plus strand). Cytogenetic location: 22q12.2.
Variant type: single nucleotide variant.
Coding change: c.106A>G on transcript NM_000268.4 (MANE Select); coding-DNA position 106, A replaced by G.
Protein change: p.Asn36Asp; replaces asparagine 36 with aspartic acid.
Molecular consequence: missense variant. On other transcripts: non-coding transcript variant (1).
Genome position (GRCh38, 1-based): chr22:29,604,104, A>G. VCF-style: chr22-29604104-A-G. GRCh37 (hg19) VCF-style: chr22-30000093-A-G.
Other names: c.-125A>G (NM_001407053.1, NM_001407056.1); c.106A>G, p.Asn36Asp (NM_001407054.1, NM_001407055.1, NM_001407057.1 and 15 more transcripts); c.-535A>G (NM_001407065.1); c.-151A>G (NM_001407067.1); short protein forms N36D.
Identifiers: ClinVar variation 1782914 (VCV001782914.6), dbSNP rs1332525934, ClinGen allele CA411146297.

ClinVar aggregate classification (germline): Uncertain significance. Review status: criteria provided, multiple submitters, no conflicts (2 of 4 stars). 3 submissions from 3 submitters: Uncertain significance (3). Last evaluated 2024-06-15.

Conditions:
Hereditary cancer-predisposing syndrome. Also called: Tumor predisposition; Neoplastic Syndromes, Hereditary; Hereditary Cancer Syndrome; Hereditary neoplastic syndrome. Identifiers: Orphanet 140162, MedGen C0027672, MeSH D009386, MONDO:0015356.
Neurofibromatosis, type 2 (SWNV). Also called: BILATERAL ACOUSTIC NEUROFIBROMATOSIS; NF2-Related Schwannomatosis; SCHWANNOMATOSIS, VESTIBULAR. Identifiers: Orphanet 637, MedGen C0027832, MONDO:0007039, OMIM 101000. Disease mechanism: loss of function.

Allele frequency attached by ClinVar (database versions not stated): gnomAD exomes 0.00001; TOPMed 0.00001.
gnomAD v4.1: 3 of 1,604,230 alleles (0.00019%); highest among the groups gnomAD compares: South Asian, 0.0022%; no homozygotes.

Submissions (3):

Labcorp Genetics (formerly Invitae), Labcorp
Classification: Uncertain significance for Neurofibromatosis, type 2. Last evaluated: 2024-06-15. Review status: criteria provided, single submitter. Criteria: Invitae Variant Classification Sherloc (09022015). Collection method: clinical testing. Allele origin: germline.
Comment: This sequence change replaces asparagine, which is neutral and polar, with aspartic acid, which is acidic and polar, at codon 36 of the NF2 protein (p.Asn36Asp). The frequency data for this variant in the population databases is considered unreliable, as metrics indicate poor data quality at this position in the gnomAD database. This variant has not been reported in the literature in individuals affected with NF2-related conditions. ClinVar contains an entry for this variant (Variation ID: 1782914). Advanced modeling of protein sequence and biophysical properties (such as structural, functional, and spatial information, amino acid conservation, physicochemical variation, residue mobility, and thermodynamic stability) performed at Invitae indicates that this missense variant is not expected to disrupt NF2 protein function with a negative predictive value of 80%. In summary, the available evidence is currently insufficient to determine the role of this variant in disease. Therefore, it has been classified as a Variant of Uncertain Significance.

Genetics and Molecular Pathology, SA Pathology
Classification: Uncertain significance for Neurofibromatosis, type 2. Last evaluated: 2022-05-26. Review status: criteria provided, single submitter. Criteria: ACMG Guidelines, 2015. Collection method: clinical testing. Allele origin: germline. Affected: yes.

Ambry Genetics
Classification: Uncertain significance for Hereditary cancer-predisposing syndrome. Last evaluated: 2021-09-03. Review status: criteria provided, single submitter. Criteria: Ambry Variant Classification Scheme 2023. Collection method: clinical testing. Allele origin: germline.
Comment: The p.N36D variant (also known as c.106A>G), located in coding exon 1 of the NF2 gene, results from an A to G substitution at nucleotide position 106. The asparagine at codon 36 is replaced by aspartic acid, an amino acid with highly similar properties. This amino acid position is well conserved in available vertebrate species. In addition, this alteration is predicted to be tolerated by in silico analysis. Since supporting evidence is limited at this time, the clinical significance of this alteration remains unclear.